The following is an entry in ClinVar:

ClinVar aggregate classification (germline): Uncertain significance. Review status: criteria provided, multiple submitters, no conflicts (2 of 4 stars). 2 submissions from 2 submitters: Uncertain significance (2). Last evaluated 2025-02-04.

Conditions:
Inborn genetic diseases. Identifiers: MedGen C0950123, MeSH D030342.
Beta-D-mannosidosis (MANSB). Also called: Beta-Mannosidosis; MANNOSIDOSIS, BETA A, LYSOSOMAL; BETA-MANNOSIDASE DEFICIENCY; LYSOSOMAL BETA-MANNOSIDASE DEFICIENCY. Identifiers: Orphanet 118, MedGen C4048196, MONDO:0009562, OMIM 248510.

Allele frequency attached by ClinVar (database versions not stated): gnomAD 0.00001; ESP Exome Variant Server 0.00008; TOPMed 0.00001; gnomAD exomes 0.00002.
gnomAD v4.1: 22 of 1,611,440 alleles (0.0014%); highest among the groups gnomAD compares: Non-Finnish European, 0.0019%; no homozygotes.

Submissions (2):

Ambry Genetics
Classification: Uncertain significance for Inborn genetic diseases. Last evaluated: 2025-02-04. Review status: criteria provided, single submitter. Criteria: Ambry Variant Classification Scheme 2023. Collection method: clinical testing. Allele origin: germline.

Labcorp Genetics (formerly Invitae), Labcorp
Classification: Uncertain significance for Beta-D-mannosidosis. Last evaluated: 2022-03-26. Review status: criteria provided, single submitter. Criteria: Invitae Variant Classification Sherloc (09022015). Collection method: clinical testing. Allele origin: germline.
Comment: This sequence change replaces threonine, which is neutral and polar, with isoleucine, which is neutral and non-polar, at codon 622 of the MANBA protein (p.Thr622Ile). This variant is present in population databases (rs201866934, gnomAD 0.003%). This variant has not been reported in the literature in individuals affected with MANBA-related conditions. Algorithms developed to predict the effect of missense changes on protein structure and function are either unavailable or do not agree on the potential impact of this missense change (SIFT: "Deleterious"; PolyPhen-2: "Probably Damaging"; Align-GVGD: "Class C15"). In summary, the available evidence is currently insufficient to determine the role of this variant in disease. Therefore, it has been classified as a Variant of Uncertain Significance.

NM_005908.4(MANBA):c.1865C>T (p.Thr622Ile)

Gene: MANBA (mannosidase beta; minus strand). Cytogenetic location: 4q24.
Variant type: single nucleotide variant.
Coding change: c.1865C>T on transcript NM_005908.4 (MANE Select); coding-DNA position 1865, C replaced by T.
Protein change: p.Thr622Ile; replaces threonine 622 with isoleucine.
Molecular consequence: missense variant.
Genome position (GRCh38, 1-based): chr4:102,650,541, G>A on the plus strand (C>T on the coding strand, the complement: MANBA is on the minus strand). VCF-style: chr4-102650541-G-A. GRCh37 (hg19) VCF-style: chr4-103571698-G-A.
Other names: c.1865C>T (NM_005908.3); short protein forms T622I.
Identifiers: ClinVar variation 1525492 (VCV001525492.4), dbSNP rs201866934, ClinGen allele CA102723436.